The following is an entry in ClinVar:

ClinVar aggregate classification (germline): Likely benign. Review status: reviewed by expert panel (3 of 4 stars). 2 submissions from 2 submitters: Likely benign (1). 1 of the submissions does not count toward it. Last evaluated 2025-05-19.

Conditions:
Juvenile retinoschisis (RS1). Also called: X-Linked Juvenile Retinoschisis; X-linked retinoschisis. Identifiers: Orphanet 792, MedGen C3714753, MONDO:0010725, OMIM 312700.

Submissions (2):

ClinGen X-linked Inherited Retinal Disease Variant Curation Expert Panel, ClinGen
Classification: Likely benign for Juvenile retinoschisis. Last evaluated: 2025-05-19. Review status: reviewed by expert panel. Criteria: ClinGen X LinkedIRD ACMG Specifications RS1 V1.0.0. Collection method: curation. Allele origin: germline. Inheritance: X-linked inheritance.
Comment: The NM_000330.4(RS1):c.145C>T variant is a synonymous variant at amino acid 49. This variant is absent from hemizygous individuals in gnomAD v4.1.0 (PM2_Supporting). This silent variant c.145C>T causing a synonymous variant at codon 49 does not have an impact at splicing sites according to Splice AI, which predicts a delta score of 0 for all predictive splice changes which is below the ClinGen X-linked IRD VCEP recommended threshold of <0.2 and does not strongly predict an impact on splicing (BP7). The splicing impact predictor SpliceAI gives a delta score of 0.00, which is below the ClinGen X-linked IRD VCEP recommended threshold of <0.1 and does not strongly predict an impact on splicing (BP4). In summary, this variant is classified as likely benign for X-linked retinoschisis based on the ClinGen X-linked Inherited Retinal Disease Expert Panel Specifications to the ACMG/AMP Variant Interpretation Guidelines for RS1 Version 1.0.0: PM2_supporting, BP4, and BP7. (date of approval 01/24/2025).

Labcorp Genetics (formerly Invitae), Labcorp
Classification: Likely benign. Last evaluated: 2023-08-16. Review status: criteria provided, single submitter. Criteria: Invitae Variant Classification Sherloc (09022015). Collection method: clinical testing. Allele origin: germline. Not counted in ClinVar's aggregate classification.

NM_000330.4(RS1):c.145C>T (p.Leu49=)

Gene: RS1 (retinoschisin 1; minus strand). Cytogenetic location: Xp22.13.
Variant type: single nucleotide variant.
Coding change: c.145C>T on transcript NM_000330.4 (MANE Select); coding-DNA position 145, C replaced by T.
Protein change: p.Leu49=; no amino-acid change (leucine 49 retained).
Molecular consequence: synonymous variant.
Genome position (GRCh38, 1-based): chrX:18,656,692, G>A on the plus strand (C>T on the coding strand, the complement: RS1 is on the minus strand). VCF-style: chrX-18656692-G-A. GRCh37 (hg19) VCF-style: chrX-18674812-G-A.
Other names: NM_000330.4(RS1):c.145C>T; p.Leu49=.
Identifiers: ClinVar variation 1570461 (VCV001570461.9), dbSNP rs2147203092, ClinGen allele CA515477924.
Genomic context (GRCh38, chrX:18,656,692, plus strand): 5'-CCAAGGACAGGGGATACTCACCTGGTATACAGTCCAAGGAGGTGGCACCTGCAGACCACA[G>A]AGCATTGGGTCCTCCTTGGCAATCGCACTTGCATGCTTTTTGGTACCAGGGGTCCTCGCC-3'
Protein context (NP_000321.1, residues 39-59): KCDCQGGPNA[Leu49=]WSAGATSLDC